The following is an entry in ClinVar:

NM_147127.5(EVC2):c.1688T>C (p.Leu563Pro)

Gene: EVC2 (EvC ciliary complex subunit 2; minus strand). Cytogenetic location: 4p16.2.
Variant type: single nucleotide variant.
Coding change: c.1688T>C on transcript NM_147127.5 (MANE Select); coding-DNA position 1688, T replaced by C.
Protein change: p.Leu563Pro; replaces leucine 563 with proline.
Molecular consequence: missense variant.
Genome position (GRCh38, 1-based): chr4:5,631,815, A>G on the plus strand (T>C on the coding strand, the complement: EVC2 is on the minus strand). VCF-style: chr4-5631815-A-G. GRCh37 (hg19) VCF-style: chr4-5633542-A-G.
Other names: c.1448T>C, p.Leu483Pro (NM_001166136.2); short protein forms L563P, L483P.
Identifiers: ClinVar variation 2052489 (VCV002052489.1), dbSNP rs774155629, ClinGen allele CA356148516.

ClinVar aggregate classification (germline): Uncertain significance (1 of 4 stars; one submission).

Conditions:
Ellis-van Creveld syndrome (EVC). Also called: Chondroectodermal dysplasia; MESOECTODERMAL DYSPLASIA; EVC-Related Ellis-van Creveld Syndrome; EVC2-Related Ellis-van Creveld Syndrome. Identifiers: Orphanet 289, MedGen C0013903, MONDO:0009162, OMIM 225500.
Curry-Hall syndrome (WAD). Also called: WEYERS ACRODENTAL DYSOSTOSIS. Identifiers: Orphanet 952, MedGen C0457013, MONDO:0008673, OMIM 193530.

Allele frequency attached by ClinVar (database versions not stated): gnomAD 0.00001; gnomAD exomes 0.00001.
gnomAD v4.1: 9 of 1,613,964 alleles (0.00056%); highest among the groups gnomAD compares: African/African-American, 0.0013%; no homozygotes.

Submission:

Labcorp Genetics (formerly Invitae), Labcorp
Classification: Uncertain significance for Curry-Hall syndrome; Ellis-van Creveld syndrome. Last evaluated: 2022-08-31. Review status: criteria provided, single submitter. Criteria: Invitae Variant Classification Sherloc (09022015). Collection method: clinical testing. Allele origin: germline.
Comment: This sequence change replaces leucine, which is neutral and non-polar, with proline, which is neutral and non-polar, at codon 563 of the EVC2 protein (p.Leu563Pro). This variant is not present in population databases (gnomAD no frequency). This variant has not been reported in the literature in individuals affected with EVC2-related conditions. Algorithms developed to predict the effect of missense changes on protein structure and function are either unavailable or do not agree on the potential impact of this missense change (SIFT: "Deleterious"; PolyPhen-2: "Probably Damaging"; Align-GVGD: "Class C0"). In summary, the available evidence is currently insufficient to determine the role of this variant in disease. Therefore, it has been classified as a Variant of Uncertain Significance.